The following is an entry in ClinVar:

ClinVar aggregate classification (germline): Uncertain significance (1 of 4 stars; one submission).

Conditions:
Brugada syndrome 3 (BRGDA3). Identifiers: Orphanet 130, MedGen C2678478, MONDO:0012742, OMIM 611875.
Long QT syndrome 8. Identifiers: MedGen CN260585, MONDO:0032756, OMIM 618447.
Neurodevelopmental disorder with hypotonia, language delay, and skeletal defects with or without seizures (NEDHLSS). Identifiers: MedGen C5774213, MONDO:0859286, OMIM 620029.
Timothy syndrome (TS). Also called: LONG QT SYNDROME WITH SYNDACTYLY. Identifiers: Orphanet 65283, MedGen C1832916, MeSH C536962, MONDO:0010979, OMIM 601005.

Submission:

Juno Genomics, Hangzhou Juno Genomics, Inc
Classification: Uncertain significance for Timothy syndrome; Neurodevelopmental disorder with hypotonia, language delay, and skeletal defects with or without seizures; Brugada syndrome 3; Long QT syndrome 8. Review status: criteria provided, single submitter. Criteria: ACMG Guidelines, 2015. Collection method: clinical testing. Allele origin: germline. Affected: yes.
Comment: Absent from controls (or at extremely low frequency if recessive) in Genome Aggregation Database.;Missense variant in a gene that has a low rate of benign missense variation.;Multiple lines of computational evidence support a deleterious effect on the gene or gene product.

NM_000719.7(CACNA1C):c.737G>T (p.Arg246Leu)

Gene: CACNA1C (calcium voltage-gated channel subunit alpha1 C; plus strand). Cytogenetic location: 12p13.33.
Variant type: single nucleotide variant.
Coding change: c.737G>T on transcript NM_000719.7 (MANE Select); coding-DNA position 737, G replaced by T.
Protein change: p.Arg246Leu; replaces arginine 246 with leucine.
Molecular consequence: missense variant.
Genome position (GRCh38, 1-based): chr12:2,457,686, G>T. VCF-style: chr12-2457686-G-T. GRCh37 (hg19) VCF-style: chr12-2566852-G-T.
Other names: c.737G>T, p.Arg246Leu (NM_001167625.2, NM_199460.4, NM_001129839.2 and 19 more transcripts); short protein forms R246L.
Identifiers: ClinVar variation 5019939 (VCV005019939.1).